The following is an entry in ClinVar:

ClinVar aggregate classification (germline): Likely benign (0 of 4 stars; one submission).

Conditions:
AGAP2-related disorder. Also called: AGAP2-related condition.

Allele frequency attached by ClinVar (database versions not stated): gnomAD 0.00027; 1000 Genomes Project 30x 0.00062; gnomAD exomes 0.00066; ExAC 0.00085; TOPMed 0.00015; 1000 Genomes Project 0.00060.
gnomAD v4.1: 977 of 1,614,088 alleles (0.061%); highest among the groups gnomAD compares: South Asian, 0.58%; 11 homozygotes.

Submission:

PreventionGenetics, part of Exact Sciences
Classification: Likely benign for AGAP2-related condition. Last evaluated: 2019-09-05. Review status: no assertion criteria provided. Collection method: clinical testing. Allele origin: germline.
Comment: This variant is classified as likely benign based on ACMG/AMP sequence variant interpretation guidelines (Richards et al. 2015 PMID: 25741868, with internal and published modifications).

NM_014770.4(AGAP2):c.32C>T (p.Ala11Val)

Gene: AGAP2 (ArfGAP with GTPase domain, ankyrin repeat and PH domain 2; minus strand). Cytogenetic location: 12q14.1.
Variant type: single nucleotide variant.
Coding change: c.32C>T on transcript NM_014770.4; coding-DNA position 32, C replaced by T.
Protein change: p.Ala11Val; replaces alanine 11 with valine.
Molecular consequence: missense variant.
Genome position (GRCh38, 1-based): chr12:57,742,040, G>A on the plus strand (C>T on the coding strand, the complement: AGAP2 is on the minus strand). VCF-style: chr12-57742040-G-A. GRCh37 (hg19) VCF-style: chr12-58135823-G-A.
Other names: short protein forms A11V.
Identifiers: ClinVar variation 3052503 (VCV003052503.2), dbSNP rs201928942, ClinGen allele CA6657364.